The following is an entry in ClinVar:

NM_003098.3(SNTA1):c.107C>A (p.Ala36Glu)

Genes: SNTA1 (syntrophin alpha 1; minus strand), LOC130065680 (ATAC-STARR-seq lymphoblastoid silent region 12812; plus strand). Cytogenetic location: 20q11.21.
Variant type: single nucleotide variant.
Coding change: c.107C>A on transcript NM_003098.3 (MANE Select); coding-DNA position 107, C replaced by A.
Protein change: p.Ala36Glu; replaces alanine 36 with glutamic acid.
Molecular consequence: missense variant.
Genome position (GRCh38, 1-based): chr20:33,443,514, G>T on the plus strand (C>A on the coding strand, the complement: SNTA1 is on the minus strand). VCF-style: chr20-33443514-G-T. GRCh37 (hg19) VCF-style: chr20-32031320-G-T.
Other names: c.107C>A, p.Ala36Glu (NM_001424413.1, NM_001424414.1); short protein forms A36E.
Identifiers: ClinVar variation 3446805 (VCV003446805.1).

ClinVar aggregate classification (germline): Uncertain significance (1 of 4 stars; one submission).

Conditions:
Cardiovascular phenotype. Identifiers: MedGen CN230736.

Submission:

Ambry Genetics
Classification: Uncertain significance for Cardiovascular phenotype. Last evaluated: 2024-10-22. Review status: criteria provided, single submitter. Criteria: Ambry Variant Classification Scheme 2023. Collection method: clinical testing. Allele origin: germline.
Comment: The p.A36E variant (also known as c.107C>A), located in coding exon 1 of the SNTA1 gene, results from a C to A substitution at nucleotide position 107. The alanine at codon 36 is replaced by glutamic acid, an amino acid with dissimilar properties. This amino acid position is conserved. In addition, this alteration is predicted to be tolerated by in silico analysis. Based on the available evidence, the clinical significance of this variant remains unclear.